The following is an entry in ClinVar:

NM_004006.3(DMD):c.2623-9A>G

Gene: DMD (dystrophin; minus strand). Cytogenetic location: Xp21.1.
Variant type: single nucleotide variant.
Coding change: c.2623-9A>G on transcript NM_004006.3 (MANE Select); 9 bases into the intron before coding-DNA position 2623, A replaced by G.
Molecular consequence: intron variant.
Genome position (GRCh38, 1-based): chrX:32,485,108, T>C on the plus strand (A>G on the coding strand, the complement: DMD is on the minus strand). VCF-style: chrX-32485108-T-C. GRCh37 (hg19) VCF-style: chrX-32503225-T-C.
Other names: c.2599-9A>G (NM_000109.4); c.2611-9A>G (NM_004009.3); c.2254-9A>G (NM_004010.3).
Identifiers: ClinVar variation 526131 (VCV000526131.38), dbSNP rs200997841, ClinGen allele CA10379465.

ClinVar aggregate classification (germline): Benign/Likely benign. Review status: criteria provided, multiple submitters, no conflicts (2 of 4 stars). 4 submissions from 4 submitters: Benign (1); Likely benign (2). 1 of the submissions does not count toward it. Last evaluated 2025-12-22.

Conditions:
Dystrophin deficiency.
Cardiomyopathy (CMYO). Also called: Cardiomyopathies. Identifiers: Orphanet 167848, MedGen C0878544, MONDO:0004994, HP:0001638. Inheritance: Various modes of inheritance.
Becker muscular dystrophy (BMD). Also called: Becker Muscular Dystrophy (BMD); MUSCULAR DYSTROPHY, PSEUDOHYPERTROPHIC PROGRESSIVE, BECKER TYPE. Identifiers: Orphanet 98895, MedGen C0917713, MONDO:0010311, OMIM 300376.
Duchenne muscular dystrophy (DMD). Also called: MUSCULAR DYSTROPHY, PSEUDOHYPERTROPHIC PROGRESSIVE, DUCHENNE TYPE; Duchenne Muscular Dystrophy (DMD). Identifiers: Orphanet 98896, MedGen C0013264, MONDO:0010679, OMIM 310200.

Allele frequency attached by ClinVar (database versions not stated): ExAC 0.00003; gnomAD 0.00004 and 0.00005; gnomAD exomes 0.00005 and 0.00006; TOPMed 0.00005; ESP Exome Variant Server 0.00009; 1000 Genomes Project 30x 0.00021; 1000 Genomes Project 0.00026.
gnomAD v4.1: 67 of 1,202,350 alleles (0.0056%); highest among the groups gnomAD compares: Middle Eastern, 0.069%; no homozygotes.

Submissions (4):

Labcorp Genetics (formerly Invitae), Labcorp
Classification: Benign for Duchenne muscular dystrophy. Last evaluated: 2025-12-22. Review status: criteria provided, single submitter. Criteria: Invitae Variant Classification Sherloc (09022015). Collection method: clinical testing. Allele origin: germline.

Molecular Diagnostic Laboratory for Inherited Cardiovascular Disease, Montreal Heart Institute
Classification: Likely benign. Last evaluated: 2025-04-09. Review status: criteria provided, single submitter. Criteria: ACMG Guidelines, 2015. Collection method: clinical testing. Allele origin: germline. Affected: no.
Comment: BS1

CeGaT Center for Human Genetics Tuebingen
Classification: Likely benign. Last evaluated: 2023-01-01. Review status: criteria provided, single submitter. Criteria: CeGaT Center For Human Genetics Tuebingen Variant Classification Criteria Version 2. Collection method: clinical testing. Allele origin: germline. Affected: yes. Observed: 1 variant allele.
Comment: DMD: BS2

Natera, Inc.
Classification: Likely benign for Becker muscular dystrophy; Cardiomyopathy; Duchenne muscular dystrophy; Dystrophin deficiency. Last evaluated: 2019-07-15. Review status: no assertion criteria provided. Collection method: clinical testing. Allele origin: germline. Not counted in ClinVar's aggregate classification.